The following is an entry in ClinVar:

ClinVar aggregate classification (germline): Uncertain significance (1 of 4 stars; one submission).

Conditions:
Familial episodic pain syndrome with predominantly lower limb involvement. Also called: Episodic pain syndrome, familial, 3. Identifiers: Orphanet 391384, Orphanet 391392, MedGen C3809899, MONDO:0014247, OMIM 615552.
Hereditary sensory and autonomic neuropathy type 7. Also called: HSAN VII; Neuropathy, hereditary sensory and autonomic, type VII. Identifiers: Orphanet 391397, MedGen C3809882, MONDO:0014244, OMIM 615548.

Submission:

Labcorp Genetics (formerly Invitae), Labcorp
Classification: Uncertain significance for Familial episodic pain syndrome with predominantly lower limb involvement; Hereditary sensory and autonomic neuropathy type 7. Last evaluated: 2023-12-01. Review status: criteria provided, single submitter. Criteria: Invitae Variant Classification Sherloc (09022015). Collection method: clinical testing. Allele origin: germline.
Comment: This sequence change replaces leucine, which is neutral and non-polar, with serine, which is neutral and polar, at codon 786 of the SCN11A protein (p.Leu786Ser). This variant is not present in population databases (gnomAD no frequency). This variant has not been reported in the literature in individuals affected with SCN11A-related conditions. Advanced modeling of protein sequence and biophysical properties (such as structural, functional, and spatial information, amino acid conservation, physicochemical variation, residue mobility, and thermodynamic stability) performed at Invitae indicates that this missense variant is not expected to disrupt SCN11A protein function with a negative predictive value of 80%. In summary, the available evidence is currently insufficient to determine the role of this variant in disease. Therefore, it has been classified as a Variant of Uncertain Significance.

NM_001349253.2(SCN11A):c.2357T>C (p.Leu786Ser)

Gene: SCN11A (sodium voltage-gated channel alpha subunit 11; minus strand). Cytogenetic location: 3p22.2.
Variant type: single nucleotide variant.
Coding change: c.2357T>C on transcript NM_001349253.2 (MANE Select); coding-DNA position 2357, T replaced by C.
Protein change: p.Leu786Ser; replaces leucine 786 with serine.
Molecular consequence: missense variant.
Genome position (GRCh38, 1-based): chr3:38,896,891, A>G on the plus strand (T>C on the coding strand, the complement: SCN11A is on the minus strand). VCF-style: chr3-38896891-A-G. GRCh37 (hg19) VCF-style: chr3-38938382-A-G.
Other names: c.2357T>C, p.Leu786Ser (NM_014139.3); short protein forms L786S.
Identifiers: ClinVar variation 2954355 (VCV002954355.3), dbSNP rs1553637403, ClinGen allele CA352157401.